The following is an entry in ClinVar:

NM_001083962.2(TCF4):c.85C>T (p.Pro29Ser)

Gene: TCF4 (transcription factor 4; minus strand). Cytogenetic location: 18q21.2.
Variant type: single nucleotide variant.
Coding change: c.85C>T on transcript NM_001083962.2 (MANE Select); coding-DNA position 85, C replaced by T.
Protein change: p.Pro29Ser; replaces proline 29 with serine.
Molecular consequence: missense variant.
Genome position (GRCh38, 1-based): chr18:55,585,340, G>A on the plus strand (C>T on the coding strand, the complement: TCF4 is on the minus strand). VCF-style: chr18-55585340-G-A. GRCh37 (hg19) VCF-style: chr18-53252571-G-A.
Other names: c.391C>T, p.Pro131Ser (NM_001243226.3); c.13C>T, p.Pro5Ser (NM_001243227.2, NM_001306207.1, NM_001348217.1 and 15 more transcripts); c.85C>T, p.Pro29Ser (NM_001243228.2, NM_001330604.3, NM_001369567.1 and 8 more transcripts); c.79C>T, p.Pro27Ser (NM_001243230.2); short protein forms P131S, P27S, P29S, P5S.
Identifiers: ClinVar variation 3370053 (VCV003370053.1).
Genomic context (GRCh38, chr18:55,585,340, plus strand): 5'-TTGAGCCAGTAAAATGTCCACTTGCCAAAGAAGTTGGTCCATTTTTCCCACTGCTCACAG[G>A]AGGTGAAAACATCTAAAAGAAACAAAGAAATATTACAGTTGAAAAGAAGACACTTGTGCC-3'
Protein context (NP_001077431.1, residues 19-39): LLDFSAMFSP[Pro29Ser]VSSGKNGPTS

ClinVar aggregate classification (germline): Uncertain significance (1 of 4 stars; one submission).

Submission:

GeneDx
Classification: Uncertain significance. Last evaluated: 2023-12-19. Review status: criteria provided, single submitter. Criteria: GeneDx Variant Classification Process June 2021. Collection method: clinical testing. Allele origin: germline. Affected: yes.
Comment: Not observed at significant frequency in large population cohorts (gnomAD); In silico analysis supports that this missense variant has a deleterious effect on protein structure/function; Has not been previously published as pathogenic or benign to our knowledge